The following is an entry in ClinVar:

ClinVar aggregate classification (germline): Likely benign. Review status: criteria provided, multiple submitters, no conflicts (2 of 4 stars). 3 submissions from 3 submitters: Likely benign (2). 1 of the submissions does not count toward it. Last evaluated 2026-01-27.

Conditions:
PCNT-related disorder. Also called: PCNT-related condition.

Allele frequency attached by ClinVar (database versions not stated): gnomAD exomes 0.00007 and 0.00016; ExAC 0.00021; gnomAD 0.00039 and 0.00040; ESP Exome Variant Server 0.00048; TOPMed 0.00049; 1000 Genomes Project 30x 0.00094; 1000 Genomes Project 0.00100.

Submissions (3):

Labcorp Genetics (formerly Invitae), Labcorp
Classification: Likely benign. Last evaluated: 2026-01-27. Review status: criteria provided, single submitter. Criteria: Invitae Variant Classification Sherloc (09022015). Collection method: clinical testing. Allele origin: germline.

Blueprint Genetics
Classification: Likely benign. Last evaluated: 2024-11-21. Review status: criteria provided, single submitter. Criteria: ACMG Guidelines, 2015. Collection method: clinical testing. Allele origin: germline.

PreventionGenetics, part of Exact Sciences
Classification: Likely benign for PCNT-related condition. Last evaluated: 2021-07-12. Review status: no assertion criteria provided. Collection method: clinical testing. Allele origin: germline. Not counted in ClinVar's aggregate classification.
Comment: This variant is classified as likely benign based on ACMG/AMP sequence variant interpretation guidelines (Richards et al. 2015 PMID: 25741868, with internal and published modifications).

NM_006031.6(PCNT):c.6792G>A (p.Ala2264=)

Gene: PCNT (pericentrin; plus strand). Cytogenetic location: 21q22.3.
Variant type: single nucleotide variant.
Coding change: c.6792G>A on transcript NM_006031.6 (MANE Select); coding-DNA position 6792, G replaced by A.
Protein change: p.Ala2264=; no amino-acid change (alanine 2264 retained).
Molecular consequence: synonymous variant.
Genome position (GRCh38, 1-based): chr21:46,416,710, G>A. VCF-style: chr21-46416710-G-A. GRCh37 (hg19) VCF-style: chr21-47836624-G-A.
Other names: c.6792G>A (NM_006031.5); c.6438G>A, p.Ala2146= (NM_001315529.2).
Identifiers: ClinVar variation 1609775 (VCV001609775.11), dbSNP rs145376230, ClinGen allele CA10080406.